The following is an entry in ClinVar:

ClinVar aggregate classification (germline): Uncertain significance. Review status: criteria provided, multiple submitters, no conflicts (2 of 4 stars). 3 submissions from 3 submitters: Uncertain significance (3). Last evaluated 2022-08-23.

Allele frequency attached by ClinVar (database versions not stated): ExAC 0.00015; ESP Exome Variant Server 0.00015; gnomAD 0.00019 and 0.00021; gnomAD exomes 0.00019; TOPMed 0.00020.
gnomAD v4.1: 459 of 1,613,748 alleles (0.028%); highest among the groups gnomAD compares: Non-Finnish European, 0.037%; 1 homozygote.

Submissions (3):

Labcorp Genetics (formerly Invitae), Labcorp
Classification: Uncertain significance. Last evaluated: 2022-08-23. Review status: criteria provided, single submitter. Criteria: Invitae Variant Classification Sherloc (09022015). Collection method: clinical testing. Allele origin: germline.
Comment: This sequence change replaces cysteine, which is neutral and slightly polar, with tyrosine, which is neutral and polar, at codon 506 of the ORC1 protein (p.Cys506Tyr). This variant is present in population databases (rs147904927, gnomAD 0.04%). This variant has not been reported in the literature in individuals affected with ORC1-related conditions. ClinVar contains an entry for this variant (Variation ID: 211799). Algorithms developed to predict the effect of missense changes on protein structure and function are either unavailable or do not agree on the potential impact of this missense change (SIFT: "Deleterious"; PolyPhen-2: "Probably Damaging"; Align-GVGD: "Class C0"). In summary, the available evidence is currently insufficient to determine the role of this variant in disease. Therefore, it has been classified as a Variant of Uncertain Significance.

Genetic Services Laboratory, University of Chicago
Classification: Uncertain significance. Last evaluated: 2015-07-24. Review status: criteria provided, single submitter. Criteria: ACMG Guidelines, 2015. Collection method: clinical testing. Allele origin: germline.

Breakthrough Genomics
Classification: Uncertain significance. Review status: criteria provided, single submitter. Criteria: ACMG Guidelines, 2015. Collection method: not provided. Allele origin: germline. Inheritance: Autosomal recessive inheritance. Affected: yes.

NM_004153.4(ORC1):c.1517G>A (p.Cys506Tyr)

Gene: ORC1 (origin recognition complex subunit 1; minus strand). Cytogenetic location: 1p32.3.
Variant type: single nucleotide variant.
Coding change: c.1517G>A on transcript NM_004153.4 (MANE Select); coding-DNA position 1517, G replaced by A.
Protein change: p.Cys506Tyr; replaces cysteine 506 with tyrosine.
Molecular consequence: missense variant.
Genome position (GRCh38, 1-based): chr1:52,385,227, C>T on the plus strand (G>A on the coding strand, the complement: ORC1 is on the minus strand). VCF-style: chr1-52385227-C-T. GRCh37 (hg19) VCF-style: chr1-52850899-C-T.
Other names: c.1517G>A, p.Cys506Tyr (NM_001190818.2); c.1502G>A, p.Cys501Tyr (NM_001190819.2); short protein forms C506Y, C501Y.
Identifiers: ClinVar variation 211799 (VCV000211799.12), dbSNP rs147904927, ClinGen allele CA208628.
Genomic context (GRCh38, chr1:52,385,227, plus strand): 5'-GTATGGTCAAGGAGTTTGCTTTCCACAAAATTGTAGATGTCTTGGAATTCCTGTTCCCGA[C>T]AGGGAAGAGACTCAGGTACAGCAGAAACATGCAGCCTACCATTGGTGGTAAACGGGAGAA-3'
Protein context (NP_004144.2, residues 496-516): HVSAVPESLP[Cys506Tyr]REQEFQDIYN